The following is an entry in ClinVar:

NM_032382.5(COG8):c.996C>T (p.Thr332=)

Gene: COG8 (component of oligomeric golgi complex 8; minus strand). Cytogenetic location: 16q22.1.
Variant type: single nucleotide variant.
Coding change: c.996C>T on transcript NM_032382.5 (MANE Select); coding-DNA position 996, C replaced by T.
Protein change: p.Thr332=; no amino-acid change (threonine 332 retained).
Molecular consequence: synonymous variant.
Genome position (GRCh38, 1-based): chr16:69,334,938, G>A on the plus strand (C>T on the coding strand, the complement: COG8 is on the minus strand). VCF-style: chr16-69334938-G-A. GRCh37 (hg19) VCF-style: chr16-69368841-G-A.
Other names: c.996C>T, p.Thr332= (NM_001374871.1, NM_001379261.1, NM_001379262.1 and 4 more transcripts).
Identifiers: ClinVar variation 391032 (VCV000391032.14), dbSNP rs571595612, ClinGen allele CA8133813.

ClinVar aggregate classification (germline): Conflicting classifications of pathogenicity. Review status: criteria provided, conflicting classifications (1 of 4 stars). 3 submissions from 3 submitters: Uncertain significance (1); Likely benign (2). Last evaluated 2023-12-13.

Conditions:
COG8-congenital disorder of glycosylation. Also called: CDG IIh; COG8-CDG. Identifiers: Orphanet 95428, MedGen C1970021, MONDO:0012635, OMIM 611182.

Allele frequency attached by ClinVar (database versions not stated): ExAC 0.00002; gnomAD 0.00006; TOPMed 0.00006.
gnomAD v4.1: 229 of 1,614,106 alleles (0.014%); highest among the groups gnomAD compares: Non-Finnish European, 0.019%; 1 homozygote.

Submissions (3):

Labcorp Genetics (formerly Invitae), Labcorp
Classification: Likely benign for COG8-congenital disorder of glycosylation. Last evaluated: 2023-12-13. Review status: criteria provided, single submitter. Criteria: Invitae Variant Classification Sherloc (09022015). Collection method: clinical testing. Allele origin: germline.

Illumina Laboratory Services, Illumina
Classification: Uncertain significance for COG8-congenital disorder of glycosylation. Last evaluated: 2018-01-12. Review status: criteria provided, single submitter. Criteria: ICSL Variant Classification Criteria 13 December 2019. Collection method: clinical testing. Allele origin: germline.

GeneDx
Classification: Likely benign. Last evaluated: 2016-11-18. Review status: criteria provided, single submitter. Criteria: GeneDx Variant Classification (06012015). Collection method: clinical testing. Allele origin: germline. Affected: yes.
Comment: This variant is considered likely benign or benign based on one or more of the following criteria: it is a conservative change, it occurs at a poorly conserved position in the protein, it is predicted to be benign by multiple in silico algorithms, and/or has population frequency not consistent with disease.